The following is an entry in ClinVar:

ClinVar aggregate classification (germline): Pathogenic. Review status: criteria provided, multiple submitters, no conflicts (2 of 4 stars). 2 submissions from 2 submitters: Pathogenic (2). Last evaluated 2024-01-02.

Conditions:
Breast-ovarian cancer, familial, susceptibility to, 3. Also called: RAD51C-Related Breast/Ovarian Cancer. Identifiers: Orphanet 145, MedGen C3150659, MONDO:0013253, OMIM 613399.
Fanconi anemia complementation group O. Also called: RAD51C-Related Fanconi Anemia. Identifiers: Orphanet 84, MedGen C3150653, MONDO:0013248, OMIM 613390.

Submissions (2):

Myriad Genetics, Inc.
Classification: Pathogenic for Breast-ovarian cancer, familial, susceptibility to, 3. Last evaluated: 2024-01-02. Review status: criteria provided, single submitter. Criteria: Myriad Autosomal Dominant, Autosomal Recessive and X-Linked Classification Criteria (2023). Collection method: clinical testing. Allele origin: unknown.
Comment: This variant is considered pathogenic. This variant creates a frameshift predicted to result in premature protein truncation.

Labcorp Genetics (formerly Invitae), Labcorp
Classification: Pathogenic for Fanconi anemia complementation group O. Last evaluated: 2021-09-25. Review status: criteria provided, single submitter. Criteria: Invitae Variant Classification Sherloc (09022015). Collection method: clinical testing. Allele origin: germline.
Comment: For these reasons, this variant has been classified as Pathogenic. This variant has not been reported in the literature in individuals affected with RAD51C-related conditions. This variant is not present in population databases (ExAC no frequency). This sequence change creates a premature translational stop signal (p.Thr120Asnfs*35) in the RAD51C gene. It is expected to result in an absent or disrupted protein product. Loss-of-function variants in RAD51C are known to be pathogenic (PMID: 20400964, 21990120, 24800917).

Literature cited by the submitters: PubMed 20400964 (cited by Labcorp Genetics (formerly Invitae), Labcorp); PubMed 21990120 (cited by Labcorp Genetics (formerly Invitae), Labcorp); PubMed 24800917 (cited by Labcorp Genetics (formerly Invitae), Labcorp).

NM_058216.3(RAD51C):c.358dup (p.Thr120fs)

Gene: RAD51C (RAD51 paralog C; plus strand). Cytogenetic location: 17q22.
Variant type: Duplication.
Coding change: c.358dup on transcript NM_058216.3 (MANE Select); coding-DNA position 358, one base duplicated (A; older notation c.358dupA).
Protein change: p.Thr120fs; shifts the reading frame from threonine 120.
Molecular consequence: frameshift variant. On other transcripts: non-coding transcript variant (2).
Genome position (GRCh38, 1-based): chr17:58,695,143, A duplicated; the last of 4 consecutive A bases (chr17:58,695,140-58,695,143); duplicating any one gives the same sequence. VCF-style (leftmost placement, unchanged base first): chr17-58695139-G-GA. GRCh37 (hg19) VCF-style: chr17-56772500-G-GA.
Other names: c.358dup, p.Thr120fs (NM_002876.4); short protein forms T120fs.
Identifiers: ClinVar variation 1453181 (VCV001453181.7), dbSNP rs2143725868, ClinGen allele CA2573154410.